The following is an entry in ClinVar:

NM_019892.6(INPP5E):c.511C>T (p.Leu171Phe)

Gene: INPP5E (inositol polyphosphate-5-phosphatase E; minus strand). Cytogenetic location: 9q34.3.
Variant type: single nucleotide variant.
Coding change: c.511C>T on transcript NM_019892.6 (MANE Select); coding-DNA position 511, C replaced by T.
Protein change: p.Leu171Phe; replaces leucine 171 with phenylalanine.
Molecular consequence: missense variant.
Genome position (GRCh38, 1-based): chr9:136,438,909, G>A on the plus strand (C>T on the coding strand, the complement: INPP5E is on the minus strand). VCF-style: chr9-136438909-G-A. GRCh37 (hg19) VCF-style: chr9-139333361-G-A.
Other names: c.511C>T, p.Leu171Phe (NM_001318502.2); short protein forms L171F.
Identifiers: ClinVar variation 1461902 (VCV001461902.9), dbSNP rs1835911218, ClinGen allele CA375568532.
Genomic context (GRCh38, chr9:136,438,909, plus strand): 5'-GGGGCAGCAGGCTGGGCAGCCTGGGCGAGCTCCCCGCCACGGCGGCGTCTCTGTGCGGGA[G>A]GTTCGGGGAGCTGCTGGCCACCCCAGAGAGAGGGTTACCCCCCGAGGACGGGCTCCCTCT-3'
Protein context (NP_063945.2, residues 161-181): LSGVASSSPN[Leu171Phe]PHRDAAVAGS

ClinVar aggregate classification (germline): Uncertain significance. Review status: criteria provided, multiple submitters, no conflicts (2 of 4 stars). 2 submissions from 2 submitters: Uncertain significance (2). Last evaluated 2024-06-01.

Conditions:
MORM syndrome (MORMS). Identifiers: Orphanet 75858, MedGen C1857802, MONDO:0012423, OMIM 610156.
Joubert syndrome 1 (JBTS1). Also called: Cerebellooculorenal syndrome 1; CEREBELLOPARENCHYMAL DISORDER IV. Identifiers: MedGen C4551568, MONDO:0008944, OMIM 213300.
Joubert syndrome. Also called: Familial aplasia of the vermis; JOUBERT-BOLTSHAUSER SYNDROME. Identifiers: Orphanet 475, MedGen C5979921, MONDO:0018772.

Allele frequency attached by ClinVar (database versions not stated): TOPMed below 0.00001.

Submissions (2):

Fulgent Genetics
Classification: Uncertain significance for Joubert syndrome 1; MORM syndrome. Last evaluated: 2024-06-01. Review status: criteria provided, single submitter. Criteria: ACMG Guidelines, 2015. Collection method: clinical testing. Allele origin: germline.

Labcorp Genetics (formerly Invitae), Labcorp
Classification: Uncertain significance for Joubert syndrome. Last evaluated: 2021-02-03. Review status: criteria provided, single submitter. Criteria: Invitae Variant Classification Sherloc (09022015). Collection method: clinical testing. Allele origin: germline.
Comment: In summary, the available evidence is currently insufficient to determine the role of this variant in disease. Therefore, it has been classified as a Variant of Uncertain Significance. Advanced modeling of protein sequence and biophysical properties (such as structural, functional, and spatial information, amino acid conservation, physicochemical variation, residue mobility, and thermodynamic stability) performed at Invitae indicates that this missense variant is not expected to disrupt INPP5E protein function. This variant has not been reported in the literature in individuals with INPP5E-related conditions. The frequency data for this variant in the population databases is considered unreliable, as metrics indicate insufficient coverage at this position in the ExAC database. This sequence change replaces leucine with phenylalanine at codon 171 of the INPP5E protein (p.Leu171Phe). The leucine residue is moderately conserved and there is a small physicochemical difference between leucine and phenylalanine.